The following is an entry in ClinVar:

ClinVar aggregate classification (germline): Uncertain significance (1 of 4 stars; one submission).

gnomAD v4.1: 2 of 1,607,032 alleles (0.00012%); highest among the groups gnomAD compares: African/African-American, 0.0013%; no homozygotes.

Submission:

GeneDx
Classification: Uncertain significance. Last evaluated: 2024-03-19. Review status: criteria provided, single submitter. Criteria: GeneDx Variant Classification Process June 2021. Collection method: clinical testing. Allele origin: germline. Affected: yes.
Comment: Not observed at significant frequency in large population cohorts (gnomAD); In silico analysis supports that this missense variant has a deleterious effect on protein structure/function; Has not been previously published as pathogenic or benign to our knowledge; This variant is associated with the following publications: (PMID: 22508754)

NM_007254.4(PNKP):c.1400C>T (p.Thr467Met)

Gene: PNKP (polynucleotide kinase 3'-phosphatase; minus strand). Cytogenetic location: 19q13.33.
Variant type: single nucleotide variant.
Coding change: c.1400C>T on transcript NM_007254.4 (MANE Select); coding-DNA position 1400, C replaced by T.
Protein change: p.Thr467Met; replaces threonine 467 with methionine.
Molecular consequence: missense variant.
Genome position (GRCh38, 1-based): chr19:49,861,497, G>A on the plus strand (C>T on the coding strand, the complement: PNKP is on the minus strand). VCF-style: chr19-49861497-G-A. GRCh37 (hg19) VCF-style: chr19-50364754-G-A.
Other names: short protein forms T467M.
Identifiers: ClinVar variation 3371023 (VCV003371023.1).